The following is an entry in ClinVar:

NM_000478.6(ALPL):c.955A>T (p.Ile319Phe)

Gene: ALPL (alkaline phosphatase, biomineralization associated; plus strand). Cytogenetic location: 1p36.12.
Variant type: single nucleotide variant.
Coding change: c.955A>T on transcript NM_000478.6 (MANE Select); coding-DNA position 955, A replaced by T.
Protein change: p.Ile319Phe; replaces isoleucine 319 with phenylalanine.
Molecular consequence: missense variant.
Genome position (GRCh38, 1-based): chr1:21,573,757, A>T. VCF-style: chr1-21573757-A-T. GRCh37 (hg19) VCF-style: chr1-21900250-A-T.
Other names: c.790A>T, p.Ile264Phe (NM_001127501.4); c.724A>T, p.Ile242Phe (NM_001177520.3); c.955A>T, p.Ile319Phe (NM_001369803.2, NM_001369804.2, NM_001369805.2); short protein forms I242F, I264F, I319F.
Identifiers: ClinVar variation 3252042 (VCV003252042.2), dbSNP rs1239964677.

ClinVar aggregate classification (germline): Uncertain significance. Review status: criteria provided, multiple submitters, no conflicts (2 of 4 stars). 2 submissions from 2 submitters: Uncertain significance (2). Last evaluated 2025-08-29.

Conditions:
Hypophosphatasia. Also called: Phosphoethanol-aminuria. Identifiers: Orphanet 436, MedGen C0020630, MeSH D007014, MONDO:0018570.

Allele frequency attached by ClinVar (database versions not stated): gnomAD exomes below 0.00001.
gnomAD v4.1: 1 of 1,614,176 alleles (0.000062%); highest among the groups gnomAD compares: Non-Finnish European, 0.000085%; no homozygotes.

Submissions (2):

Genomenon, Inc
Classification: Uncertain significance for Hypophosphatasia. Last evaluated: 2025-08-29. Review status: criteria provided, single submitter. Criteria: Genomenon Sequence Variant Interpretation Standards. Collection method: curation. Allele origin: germline. Affected: yes.
Comment: ALPL c.955A>T is a missense variant that changes the amino acid at residue 319 from Isoleucine to Phenylalanine. This variant has been observed in a proband affected with hypophosphatasia (PMID:38884565). It is absent or not present at a significant frequency in gnomAD. In silico models agree that this variant is possibly or probably damaging. In conclusion, we classify ALPL p.Ile319Phe (c.955A>T) as a variant of unknown significance.

JKU Lab, Dept of Paediatrics, Johannes Kepler University
Classification: Uncertain significance for Hypophosphatasia. Last evaluated: 2024-06-11. Review status: criteria provided, single submitter. Criteria: ACMG Guidelines, 2015. Collection method: clinical testing. Allele origin: germline. Affected: yes.
Comment: The variant is absent from GnomAD. The ACMG criteria applied can be looked up in the ALPL gene variant database.

Literature cited by the submitters: PubMed 38884565 (cited by Genomenon, Inc and JKU Lab, Dept of Paediatrics, Johannes Kepler University).